The following is an entry in ClinVar:

NM_001999.4(FBN2):c.3847+5A>G

Gene: FBN2 (fibrillin 2; minus strand). Cytogenetic location: 5q23.3.
Variant type: single nucleotide variant.
Coding change: c.3847+5A>G on transcript NM_001999.4 (MANE Select); 5 bases into the intron after coding-DNA position 3847, A replaced by G.
Molecular consequence: intron variant.
Genome position (GRCh38, 1-based): chr5:128,335,450, T>C on the plus strand (A>G on the coding strand, the complement: FBN2 is on the minus strand). VCF-style: chr5-128335450-T-C. GRCh37 (hg19) VCF-style: chr5-127671142-T-C.
Identifiers: ClinVar variation 516883 (VCV000516883.4), dbSNP rs1444917250, ClinGen allele CA562715421.

ClinVar aggregate classification (germline): Conflicting classifications of pathogenicity. Review status: criteria provided, conflicting classifications (1 of 4 stars). 2 submissions from 2 submitters: Uncertain significance (1); Likely benign (1). Last evaluated 2025-09-23.

Conditions:
Congenital contractural arachnodactyly (CCA). Also called: BEALS SYNDROME; Beals-Hecht syndrome; Arthrogryposis, distal, type 9. Identifiers: Orphanet 115, MedGen C0220668, MONDO:0007363, OMIM 121050.

Allele frequency attached by ClinVar (database versions not stated): gnomAD exomes below 0.00001 and 0.00001; TOPMed below 0.00001.
gnomAD v4.1: 10 of 1,614,224 alleles (0.00062%); highest among the groups gnomAD compares: South Asian, 0.0011%; no homozygotes.

Submissions (2):

Labcorp Genetics (formerly Invitae), Labcorp
Classification: Uncertain significance for Congenital contractural arachnodactyly. Last evaluated: 2025-09-23. Review status: criteria provided, single submitter. Criteria: Invitae Variant Classification Sherloc (09022015). Collection method: clinical testing. Allele origin: germline.
Comment: This sequence change falls in intron 29 of the FBN2 gene. It does not directly change the encoded amino acid sequence of the FBN2 protein. It affects a nucleotide within the consensus splice site. This variant is present in population databases (no rsID available, gnomAD 0.003%). This variant has not been reported in the literature in individuals affected with FBN2-related conditions. ClinVar contains an entry for this variant (Variation ID: 516883). Variants that disrupt the consensus splice site are a relatively common cause of aberrant splicing (PMID: 17576681, 9536098). Algorithms developed to predict the effect of sequence changes on RNA splicing suggest that this variant is not likely to affect RNA splicing. In summary, the available evidence is currently insufficient to determine the role of this variant in disease. Therefore, it has been classified as a Variant of Uncertain Significance.

GeneDx
Classification: Likely benign. Last evaluated: 2017-12-27. Review status: criteria provided, single submitter. Criteria: GeneDx Variant Classification (06012015). Collection method: clinical testing. Allele origin: germline. Affected: yes.
Comment: This variant is considered likely benign or benign based on one or more of the following criteria: it is a conservative change, it occurs at a poorly conserved position in the protein, it is predicted to be benign by multiple in silico algorithms, and/or has population frequency not consistent with disease.

Literature cited by the submitters: PubMed 17576681 (cited by Labcorp Genetics (formerly Invitae), Labcorp); PubMed 9536098 (cited by Labcorp Genetics (formerly Invitae), Labcorp).